The following is an entry in ClinVar:

NM_015021.3(ZNF292):c.4300T>A (p.Leu1434Met)

Gene: ZNF292 (zinc finger protein 292; plus strand). Cytogenetic location: 6q14.3.
Variant type: single nucleotide variant.
Coding change: c.4300T>A on transcript NM_015021.3 (MANE Select); coding-DNA position 4300, T replaced by A.
Protein change: p.Leu1434Met; replaces leucine 1434 with methionine.
Molecular consequence: missense variant.
Genome position (GRCh38, 1-based): chr6:87,257,929, T>A. VCF-style: chr6-87257929-T-A. GRCh37 (hg19) VCF-style: chr6-87967647-T-A.
Other names: c.3880T>A, p.Leu1294Met (NM_001351444.2); short protein forms L1294M, L1434M.
Identifiers: ClinVar variation 2429106 (VCV002429106.4), dbSNP rs2482325784, ClinGen allele CA364926662.

ClinVar aggregate classification (germline): Uncertain significance (1 of 4 stars; one submission).

Submission:

Greenwood Genetic Center Diagnostic Laboratories, Greenwood Genetic Center
Classification: Uncertain significance. Last evaluated: 2022-11-18. Review status: criteria provided, single submitter. Criteria: ACMG Guidelines, 2015. Collection method: clinical testing. Allele origin: germline. Affected: yes.
Comment: PM2